The following is an entry in ClinVar:

NM_001277062.2(MFF):c.285G>A (p.Thr95=)

Gene: MFF (mitochondrial fission factor; plus strand). Cytogenetic location: 2q36.3.
Variant type: single nucleotide variant.
Coding change: c.285G>A on transcript NM_001277062.2 (MANE Select); coding-DNA position 285, G replaced by A.
Protein change: p.Thr95=; no amino-acid change (threonine 95 retained).
Molecular consequence: synonymous variant. On other transcripts: non-coding transcript variant (1).
Genome position (GRCh38, 1-based): chr2:227,332,522, G>A. VCF-style: chr2-227332522-G-A. GRCh37 (hg19) VCF-style: chr2-228197238-G-A.
Other names: p.Thr121=; c.363G>A, p.Thr121= (NM_001277061.2, NM_020194.5); c.285G>A, p.Thr95= (NM_001277063.2, NM_001277064.2, NM_001277065.2 and 2 more transcripts); c.135G>A, p.Thr45= (NM_001277067.1).
Identifiers: ClinVar variation 380072 (VCV000380072.13), dbSNP rs11557342, ClinGen allele CA2147862.

ClinVar aggregate classification (germline): Benign. Review status: criteria provided, multiple submitters, no conflicts (2 of 4 stars). 5 submissions from 5 submitters: Benign (4). 1 of the submissions does not count toward it. Last evaluated 2026-02-01.

Conditions:
MFF-related disorder. Also called: MFF-related condition.

Allele frequency attached by ClinVar (database versions not stated): ESP Exome Variant Server 0.08281; gnomAD 0.08294 and 0.08355; TOPMed 0.08670; 1000 Genomes Project 30x 0.08885; 1000 Genomes Project 0.08906; ExAC 0.08998.
gnomAD v4.1: 133,301 of 1,609,596 alleles (8.3%); highest among the groups gnomAD compares: Admixed American, 12%; 5,195 homozygotes.

Submissions (5):

Labcorp Genetics (formerly Invitae), Labcorp
Classification: Benign. Last evaluated: 2026-02-01. Review status: criteria provided, single submitter. Criteria: Invitae Variant Classification Sherloc (09022015). Collection method: clinical testing. Allele origin: germline.

Mayo Clinic Laboratories, Mayo Clinic
Classification: Benign. Last evaluated: 2022-10-27. Review status: criteria provided, single submitter. Criteria: ACMG Guidelines, 2015. Collection method: clinical testing. Allele origin: germline. Observed: 44 variant alleles.

GeneDx
Classification: Benign. Last evaluated: 2015-12-22. Review status: criteria provided, single submitter. Criteria: GeneDx Variant Classification (06012015). Collection method: clinical testing. Allele origin: germline. Affected: yes.
Comment: This variant is considered likely benign or benign based on one or more of the following criteria: it is a conservative change, it occurs at a poorly conserved position in the protein, it is predicted to be benign by multiple in silico algorithms, and/or has population frequency not consistent with disease.

Breakthrough Genomics
Classification: Benign. Review status: criteria provided, single submitter. Criteria: ACMG Guidelines, 2015. Collection method: not provided. Allele origin: germline. Inheritance: Autosomal recessive inheritance. Affected: yes.

PreventionGenetics, part of Exact Sciences
Classification: Benign for MFF-related condition. Last evaluated: 2019-07-10. Review status: no assertion criteria provided. Collection method: clinical testing. Allele origin: germline. Not counted in ClinVar's aggregate classification.
Comment: This variant is classified as benign based on ACMG/AMP sequence variant interpretation guidelines (Richards et al. 2015 PMID: 25741868, with internal and published modifications).